The following is an entry in ClinVar:

NM_052865.4(MGME1):c.291A>G (p.Pro97=)

Genes: MGME1 (mitochondrial genome maintenance exonuclease 1; plus strand), LOC126862983 (CDK7 strongly-dependent group 2 enhancer GRCh37_chr20:17950167-17951366; plus strand). Cytogenetic location: 20p11.23.
Variant type: single nucleotide variant.
Coding change: c.291A>G on transcript NM_052865.4 (MANE Select); coding-DNA position 291, A replaced by G.
Protein change: p.Pro97=; no amino-acid change (proline 97 retained).
Molecular consequence: synonymous variant. On other transcripts: intron variant (1).
Genome position (GRCh38, 1-based): chr20:17,970,150, A>G. VCF-style: chr20-17970150-A-G. GRCh37 (hg19) VCF-style: chr20-17950793-A-G.
Other names: c.291A>G, p.Pro97= (NM_001310338.2, NM_001310339.2); c.271+20A>G (NM_001363738.2); c.291A>G (NM_052865.3).
Identifiers: ClinVar variation 1452065 (VCV001452065.10), dbSNP rs377519110, ClinGen allele CA9774908.
Genomic context (GRCh38, chr20:17,970,150, plus strand): 5'-GCTCTGTGGACCCGTGAGCAAGCATAAGCTGCCAAACCAAGGTGAGGACAGACGAGTGCC[A>G]CAAAACTGGTTTCCTATCTTCAATCCAGAGAGAAGTGATAAACCAAATGCAAGTGATCCT-3'
Protein context (NP_443097.1, residues 87-107): LPNQGEDRRV[Pro97=]QNWFPIFNPE

ClinVar aggregate classification (germline): Likely benign. Review status: criteria provided, single submitter (1 of 4 stars). 2 submissions from 2 submitters: Likely benign (1). 1 of the submissions does not count toward it. Last evaluated 2025-07-24.

Conditions:
MGME1-related disorder. Also called: MGME1-related condition.

Allele frequency attached by ClinVar (database versions not stated): gnomAD exomes 0.00002 and 0.00004; ExAC 0.00006; gnomAD 0.00013 and 0.00015; ESP Exome Variant Server 0.00015; 1000 Genomes Project 30x 0.00016; TOPMed 0.00018; 1000 Genomes Project 0.00020.
gnomAD v4.1: 41 of 1,614,240 alleles (0.0025%); highest among the groups gnomAD compares: African/African-American, 0.052%; no homozygotes.

Submissions (2):

Labcorp Genetics (formerly Invitae), Labcorp
Classification: Likely benign. Last evaluated: 2025-07-24. Review status: criteria provided, single submitter. Criteria: Invitae Variant Classification Sherloc (09022015). Collection method: clinical testing. Allele origin: germline.

PreventionGenetics, part of Exact Sciences
Classification: Likely benign for MGME1-related condition. Last evaluated: 2021-02-03. Review status: no assertion criteria provided. Collection method: clinical testing. Allele origin: germline. Not counted in ClinVar's aggregate classification.
Comment: This variant is classified as likely benign based on ACMG/AMP sequence variant interpretation guidelines (Richards et al. 2015 PMID: 25741868, with internal and published modifications).